The following is an entry in ClinVar:

NM_007194.4(CHEK2):c.104C>T (p.Ser35Phe)

Gene: CHEK2 (checkpoint kinase 2; minus strand). Cytogenetic location: 22q12.1.
Variant type: single nucleotide variant.
Coding change: c.104C>T on transcript NM_007194.4 (MANE Select); coding-DNA position 104, C replaced by T.
Protein change: p.Ser35Phe; replaces serine 35 with phenylalanine.
Molecular consequence: missense variant.
Genome position (GRCh38, 1-based): chr22:28,734,618, G>A on the plus strand (C>T on the coding strand, the complement: CHEK2 is on the minus strand). VCF-style: chr22-28734618-G-A. GRCh37 (hg19) VCF-style: chr22-29130606-G-A.
Other names: c.104C>T, p.Ser35Phe (NM_001005735.3, NM_001349956.3, NM_145862.3); c.-674C>T (NM_001257387.3); short protein forms S35F.
Identifiers: ClinVar variation 629330 (VCV000629330.10), dbSNP rs786203185, ClinGen allele CA411091444.

ClinVar aggregate classification (germline): Uncertain significance. Review status: criteria provided, multiple submitters, no conflicts (2 of 4 stars). 2 submissions from 2 submitters: Uncertain significance (2). Last evaluated 2021-10-18.

Conditions:
Familial cancer of breast. Also called: BREAST CANCER, FAMILIAL; Hereditary breast cancer; hereditary breast carcinoma. Identifiers: Orphanet 227535, MedGen C0346153, MONDO:0016419, OMIM 114480. Disease mechanism: loss of function.
Hereditary cancer-predisposing syndrome. Also called: Neoplastic Syndromes, Hereditary; Tumor predisposition; Hereditary neoplastic syndrome; Hereditary Cancer Syndrome. Identifiers: Orphanet 140162, MedGen C0027672, MeSH D009386, MONDO:0015356.

Submissions (2):

Labcorp Genetics (formerly Invitae), Labcorp
Classification: Uncertain significance for Familial cancer of breast. Last evaluated: 2021-10-18. Review status: criteria provided, single submitter. Criteria: Invitae Variant Classification Sherloc (09022015). Collection method: clinical testing. Allele origin: germline.
Comment: This sequence change replaces serine with phenylalanine at codon 35 of the CHEK2 protein (p.Ser35Phe). The serine residue is moderately conserved and there is a large physicochemical difference between serine and phenylalanine. This variant is not present in population databases (ExAC no frequency). This variant has not been reported in the literature in individuals affected with CHEK2-related conditions. ClinVar contains an entry for this variant (Variation ID: 629330). Algorithms developed to predict the effect of missense changes on protein structure and function are either unavailable or do not agree on the potential impact of this missense change (SIFT: "Tolerated"; PolyPhen-2: "Possibly Damaging"; Align-GVGD: "Class C0"). In summary, the available evidence is currently insufficient to determine the role of this variant in disease. Therefore, it has been classified as a Variant of Uncertain Significance.

Color Diagnostics, LLC DBA Color Health
Classification: Uncertain significance for Hereditary cancer-predisposing syndrome. Last evaluated: 2018-09-25. Review status: criteria provided, single submitter. Criteria: ACMG Guidelines, 2015. Collection method: clinical testing. Allele origin: germline.